The following is an entry in ClinVar:

ClinVar aggregate classification (germline): Uncertain significance (1 of 4 stars; one submission).

Allele frequency attached by ClinVar (database versions not stated): TOPMed below 0.00001.

Submission:

Labcorp Genetics (formerly Invitae), Labcorp
Classification: Uncertain significance. Last evaluated: 2024-05-22. Review status: criteria provided, single submitter. Criteria: Invitae Variant Classification Sherloc (09022015). Collection method: clinical testing. Allele origin: germline.
Comment: This sequence change replaces glycine, which is neutral and non-polar, with arginine, which is basic and polar, at codon 47 of the ADGRA3 protein (p.Gly47Arg). This variant is present in population databases (rs763133957, gnomAD 0.008%). This variant has not been reported in the literature in individuals affected with ADGRA3-related conditions. ClinVar contains an entry for this variant (Variation ID: 1910017). An algorithm developed to predict the effect of missense changes on protein structure and function (PolyPhen-2) suggests that this variant is likely to be tolerated. In summary, the available evidence is currently insufficient to determine the role of this variant in disease. Therefore, it has been classified as a Variant of Uncertain Significance.

NM_145290.4(ADGRA3):c.139G>C (p.Gly47Arg)

Gene: ADGRA3 (adhesion G protein-coupled receptor A3; minus strand). Cytogenetic location: 4p15.2.
Variant type: single nucleotide variant.
Coding change: c.139G>C on transcript NM_145290.4 (MANE Select); coding-DNA position 139, G replaced by C.
Protein change: p.Gly47Arg; replaces glycine 47 with arginine.
Molecular consequence: missense variant.
Genome position (GRCh38, 1-based): chr4:22,515,646, C>G on the plus strand (G>C on the coding strand, the complement: ADGRA3 is on the minus strand). VCF-style: chr4-22515646-C-G. GRCh37 (hg19) VCF-style: chr4-22517269-C-G.
Other names: short protein forms G47R.
Identifiers: ClinVar variation 1910017 (VCV001910017.5), dbSNP rs763133957, ClinGen allele CA2874390.